The following is an entry in ClinVar:

ClinVar aggregate classification (germline): Benign/Likely benign. Review status: criteria provided, multiple submitters, no conflicts (2 of 4 stars). 9 submissions from 9 submitters: Benign (6); Likely benign (3). Last evaluated 2026-09-01.

Conditions:
Inborn genetic diseases. Identifiers: MedGen C0950123, MeSH D030342.
Developmental and epileptic encephalopathy 94 (DEE94). Also called: CHD2-Related Neurodevelopmental Disorders; Epileptic encephalopathy, childhood-onset. Identifiers: Orphanet 1942, Orphanet 2382, MedGen C3809278, MONDO:0014150, OMIM 615369.

Allele frequency attached by ClinVar (database versions not stated): 1000 Genomes Project 0.00120; 1000 Genomes Project 30x 0.00125; TOPMed 0.00282; ESP Exome Variant Server 0.00354.
gnomAD v4.1: 6,461 of 1,608,960 alleles (0.4%); highest among the groups gnomAD compares: Non-Finnish European, 0.43%; 20 homozygotes.

Submissions (9):

CeGaT Center for Human Genetics Tuebingen
Classification: Benign. Last evaluated: 2026-09-01. Review status: criteria provided, single submitter. Criteria: CeGaT Center For Human Genetics Tuebingen Variant Classification Criteria Version 2. Collection method: clinical testing. Allele origin: germline. Affected: yes. Observed: 53 variant alleles.
Comment: CHD2: BP4, BP7, BS1, BS2

Labcorp Genetics (formerly Invitae), Labcorp
Classification: Benign for Developmental and epileptic encephalopathy 94. Last evaluated: 2026-02-03. Review status: criteria provided, single submitter. Criteria: Invitae Variant Classification Sherloc (09022015). Collection method: clinical testing. Allele origin: germline.

Blueprint Genetics
Classification: Likely benign. Last evaluated: 2024-11-21. Review status: criteria provided, single submitter. Criteria: ACMG Guidelines, 2015. Collection method: clinical testing. Allele origin: germline.

Fulgent Genetics
Classification: Likely benign for Developmental and epileptic encephalopathy 94. Last evaluated: 2022-05-23. Review status: criteria provided, single submitter. Criteria: ACMG Guidelines, 2015. Collection method: clinical testing. Allele origin: unknown.

Genetic Services Laboratory, University of Chicago
Classification: Benign. Last evaluated: 2019-04-02. Review status: criteria provided, single submitter. Criteria: ACMG Guidelines, 2015. Collection method: clinical testing. Allele origin: germline. Affected: no.

Athena Diagnostics
Classification: Benign. Last evaluated: 2018-03-02. Review status: criteria provided, single submitter. Criteria: Athena Diagnostics Criteria. Collection method: clinical testing. Allele origin: germline.

Ambry Genetics
Classification: Likely benign for Inborn genetic diseases. Last evaluated: 2016-07-15. Review status: criteria provided, single submitter. Criteria: Ambry Variant Classification Scheme 2023. Collection method: clinical testing. Allele origin: germline.

GeneDx
Classification: Benign. Last evaluated: 2016-02-29. Review status: criteria provided, single submitter. Criteria: GeneDx Variant Classification (06012015). Collection method: clinical testing. Allele origin: germline. Affected: yes.
Comment: This variant is considered likely benign or benign based on one or more of the following criteria: it is a conservative change, it occurs at a poorly conserved position in the protein, it is predicted to be benign by multiple in silico algorithms, and/or has population frequency not consistent with disease.

PreventionGenetics, part of Exact Sciences
Classification: Benign. Review status: criteria provided, single submitter. Criteria: ACMG Guidelines, 2015. Collection method: clinical testing. Allele origin: germline.

NM_001271.4(CHD2):c.3126C>T (p.Asp1042=)

Gene: CHD2 (chromodomain helicase DNA binding protein 2; plus strand). Cytogenetic location: 15q26.1.
Variant type: single nucleotide variant.
Coding change: c.3126C>T on transcript NM_001271.4 (MANE Select); coding-DNA position 3126, C replaced by T.
Protein change: p.Asp1042=; no amino-acid change (aspartic acid 1042 retained).
Molecular consequence: synonymous variant.
Genome position (GRCh38, 1-based): chr15:92,984,389, C>T. VCF-style: chr15-92984389-C-T. GRCh37 (hg19) VCF-style: chr15-93527619-C-T.
Identifiers: ClinVar variation 238879 (VCV000238879.53), dbSNP rs150268140, ClinGen allele CA7748152.
Genomic context (GRCh38, chr15:92,984,389, plus strand): 5'-GGTTGCCAACTTTGCAACAATGGAAGATGAAGAAGAGCTAGAAGAGCGTCCTCACAAGGA[C>T]TGGGATGAGATCATTCCAGAGGAACAAAGGAAAAAAGTAGAGGAGGAAGAGCGGCAGAAG-3'
Protein context (NP_001262.3, residues 1032-1052): EEELEERPHK[Asp1042=]WDEIIPEEQR